The following is an entry in ClinVar:

ClinVar aggregate classification (germline): Pathogenic (1 of 4 stars; one submission).

Conditions:
Kleefstra syndrome 1 (KLEFS1). Identifiers: Orphanet 261494, MedGen C0795833, MONDO:0027407, OMIM 610253.

Submission:

Baylor Genetics
Classification: Pathogenic for Kleefstra syndrome 1. Last evaluated: 2017-09-01. Review status: criteria provided, single submitter. Criteria: ACMG Guidelines, 2015. Collection method: clinical testing. Allele origin: de novo. Inheritance: Autosomal dominant inheritance. Affected: yes.
Comment: This frameshift mutation is categorized as deleterious according to ACMG guidelines (PMID:18414213).

Literature cited by the submitters: PubMed 25326635.

NM_024757.5(EHMT1):c.2224del (p.Leu742fs)

Gene: EHMT1 (euchromatic histone lysine methyltransferase 1; plus strand). Cytogenetic location: 9q34.3.
Variant type: Deletion.
Coding change: c.2224del on transcript NM_024757.5 (MANE Select); coding-DNA position 2224, one base deleted (C; older notation c.2224delC).
Protein change: p.Leu742fs; shifts the reading frame from leucine 742.
Molecular consequence: frameshift variant.
Genome position (GRCh38, 1-based): chr9:137,779,666, C deleted. VCF-style (leftmost placement, unchanged base first): chr9-137779665-GC-G. GRCh37 (hg19) VCF-style: chr9-140674117-GC-G.
Other names: c.2224del, p.Leu742fs (NM_001145527.2); c.2131del, p.Leu711fs (NM_001354259.2); c.2203del, p.Leu735fs (NM_001354263.2); short protein forms L711fs, L735fs, L742fs.
Identifiers: ClinVar variation 560999 (VCV000560999.2), dbSNP rs1564744631, ClinGen allele CA658822418.